The following is an entry in ClinVar:

ClinVar aggregate classification (germline): Pathogenic (1 of 4 stars; one submission).

Conditions:
Hypertrophic cardiomyopathy. Also called: HYPERTROPHIC MYOCARDIOPATHY. Identifiers: Orphanet 217569, MedGen C0007194, MeSH D002312, MONDO:0005045, HP:0001639.

Submission:

Labcorp Genetics (formerly Invitae), Labcorp
Classification: Pathogenic for Hypertrophic cardiomyopathy. Last evaluated: 2024-04-05. Review status: criteria provided, single submitter. Criteria: Invitae Variant Classification Sherloc (09022015). Collection method: clinical testing. Allele origin: germline.
Comment: This sequence change creates a premature translational stop signal (p.Lys190Valfs*50) in the MYBPC3 gene. It is expected to result in an absent or disrupted protein product. Loss-of-function variants in MYBPC3 are known to be pathogenic (PMID: 19574547). This variant is not present in population databases (gnomAD no frequency). This variant has not been reported in the literature in individuals affected with MYBPC3-related conditions. ClinVar contains an entry for this variant (Variation ID: 857087). For these reasons, this variant has been classified as Pathogenic.

Literature cited by the submitters: PubMed 19574547.

NM_000256.3(MYBPC3):c.568_569del (p.Lys190fs)

Gene: MYBPC3 (myosin binding protein C3; minus strand). Cytogenetic location: 11p11.2.
Variant type: Deletion.
Coding change: c.568_569del on transcript NM_000256.3 (MANE Select); coding-DNA positions 568 to 569, 2 bases deleted (AA; older notation c.568_569delAA).
Protein change: p.Lys190fs; shifts the reading frame from lysine 190.
Molecular consequence: frameshift variant.
Genome position (GRCh38, 1-based): chr11:47,349,859-47,349,860, TT deleted on the plus strand (AA on the coding strand, the reverse complement: MYBPC3 is on the minus strand). VCF-style (leftmost placement, unchanged base first): chr11-47349858-CTT-C. GRCh37 (hg19) VCF-style: chr11-47371409-CTT-C.
Other names: short protein forms K190fs.
Identifiers: ClinVar variation 857087 (VCV000857087.7), dbSNP rs2095898532, ClinGen allele CA916081641.